The following is an entry in ClinVar:

ClinVar aggregate classification (germline): Pathogenic/Likely pathogenic. Review status: criteria provided, multiple submitters, no conflicts (2 of 4 stars). 3 submissions from 3 submitters: Pathogenic (1); Likely pathogenic (2). Last evaluated 2026-02-03.

Conditions:
PROM1-related disorder. Also called: PROM1-related condition; PROM1-related disorders.

Submissions (3):

PreventionGenetics, part of Exact Sciences
Classification: Likely pathogenic for PROM1-related condition. Last evaluated: 2026-02-03. Review status: criteria provided, single submitter. Criteria: ACMG Guidelines, 2015. Collection method: clinical testing. Allele origin: germline.
Comment: The PROM1 c.1855C>T variant is predicted to result in premature protein termination (p.Gln619*). To our knowledge, this variant has not been reported in the literature in association with PROM1-related disease. This variant is absent in a large population database (gnomAD), indicating this variant is rare. Nonsense variants in PROM1 are an established mechanism of disease. This variant is interpreted as likely pathogenic.

Labcorp Genetics (formerly Invitae), Labcorp
Classification: Pathogenic. Last evaluated: 2022-05-29. Review status: criteria provided, single submitter. Criteria: Invitae Variant Classification Sherloc (09022015). Collection method: clinical testing. Allele origin: germline.
Comment: For these reasons, this variant has been classified as Pathogenic. Algorithms developed to predict the effect of sequence changes on RNA splicing suggest that this variant may disrupt the consensus splice site. This variant has not been reported in the literature in individuals affected with PROM1-related conditions. This variant is not present in population databases (gnomAD no frequency). This sequence change creates a premature translational stop signal (p.Gln619*) in the PROM1 gene. It is expected to result in an absent or disrupted protein product. Loss-of-function variants in PROM1 are known to be pathogenic (PMID: 17605048, 19718270, 24154662, 25474345).

Blueprint Genetics
Classification: Likely pathogenic for PROM1-related disorders. Last evaluated: 2020-01-10. Review status: criteria provided, single submitter. Criteria: ACMG Guidelines, 2015. Collection method: clinical testing. Allele origin: germline. Affected: yes. Observed: 1 variant allele.

Literature cited by the submitters: PubMed 17605048 (cited by Labcorp Genetics (formerly Invitae), Labcorp); PubMed 19718270 (cited by Labcorp Genetics (formerly Invitae), Labcorp); PubMed 24154662 (cited by Labcorp Genetics (formerly Invitae), Labcorp); PubMed 25474345 (cited by Labcorp Genetics (formerly Invitae), Labcorp).

NM_006017.3(PROM1):c.1855C>T (p.Gln619Ter)

Gene: PROM1 (prominin 1; minus strand). Cytogenetic location: 4p15.32.
Variant type: single nucleotide variant.
Coding change: c.1855C>T on transcript NM_006017.3 (MANE Select); coding-DNA position 1855, C replaced by T.
Protein change: p.Gln619Ter; replaces glutamine 619 with a stop codon.
Molecular consequence: nonsense.
Genome position (GRCh38, 1-based): chr4:15,992,304, G>A on the plus strand (C>T on the coding strand, the complement: PROM1 is on the minus strand). VCF-style: chr4-15992304-G-A. GRCh37 (hg19) VCF-style: chr4-15993927-G-A.
Other names: c.1828C>T, p.Gln610Ter (NM_001145847.2, NM_001145848.2, NM_001145851.2 and 4 more transcripts); c.1855C>T, p.Gln619Ter (NM_001145849.2, NM_001145850.2); c.1855C>T (NM_006017.2); short protein forms Q619*, Q610*.
Identifiers: ClinVar variation 2067308 (VCV002067308.6), dbSNP rs1721263353, ClinGen allele CA356430878.